The following is an entry in ClinVar:

ClinVar aggregate classification (germline): Pathogenic (1 of 4 stars; one submission).

Conditions:
Glutaric aciduria, type 1. Also called: Glutaricaciduria, type I; Glutaric Acidemia Type 1; Glutaryl-CoA dehydrogenase deficiency; Glutaric acidemia type I; Glutaricacidemia Type 1; GA I. Identifiers: Orphanet 25, MedGen C0268595, MONDO:0009281, OMIM 231670.

Submission:

Labcorp Genetics (formerly Invitae), Labcorp
Classification: Pathogenic for Glutaric aciduria, type 1. Last evaluated: 2025-06-26. Review status: criteria provided, single submitter. Criteria: Invitae Variant Classification Sherloc (09022015). Collection method: clinical testing. Allele origin: germline.
Comment: This sequence change creates a premature translational stop signal (p.Leu221Valfs*8) in the GCDH gene. It is expected to result in an absent or disrupted protein product. Loss-of-function variants in GCDH are known to be pathogenic (PMID: 10699052, 11854167, 16602100). This variant is not present in population databases (gnomAD no frequency). This variant has not been reported in the literature in individuals affected with GCDH-related conditions. ClinVar contains an entry for this variant (Variation ID: 1381101). For these reasons, this variant has been classified as Pathogenic.

Literature cited by the submitters: PubMed 10699052; PubMed 11854167; PubMed 16602100.

NM_000159.4(GCDH):c.661_662del (p.Leu221fs)

Gene: GCDH (glutaryl-CoA dehydrogenase; plus strand). Cytogenetic location: 19p13.13.
Variant type: Deletion.
Coding change: c.661_662del on transcript NM_000159.4 (MANE Select); coding-DNA positions 661 to 662, 2 bases deleted (CT; older notation c.661_662delCT).
Protein change: p.Leu221fs; shifts the reading frame from leucine 221.
Molecular consequence: frameshift variant. On other transcripts: non-coding transcript variant (1).
Genome position (GRCh38, 1-based): chr19:12,896,230-12,896,231, CT deleted; deleting any 2 consecutive bases within chr19:12,896,229-12,896,231 gives the same sequence; the c. name uses the placement nearest the transcript's 3' end. VCF-style (leftmost placement, unchanged base first): chr19-12896228-ATC-A. GRCh37 (hg19) VCF-style: chr19-13007042-ATC-A.
Other names: c.661_662del, p.Leu221fs (NM_013976.5); short protein forms L221fs.
Identifiers: ClinVar variation 1381101 (VCV001381101.6), dbSNP rs2145950918, ClinGen allele CA2573156004.
Genomic context (GRCh38, chr19:12,896,228, plus strand): 5'-CACTGGTCAGACCCCTCACCGACTGTTCCATCCCCAGGATCACGAACTCGCCTATGGCCG[ATC>A]TGTTTGTAGTGTGGGCTCGGTGTGAAGATGGCTGCATTCGGGGCTTCCTGCTGGAGAAGG-3'